The following is an entry in ClinVar:

ClinVar aggregate classification (germline): Uncertain significance (1 of 4 stars; one submission).

Conditions:
Usher syndrome type 1 (USH1). Also called: RETINITIS PIGMENTOSA AND CONGENITAL DEAFNESS. Identifiers: Orphanet 231169, Orphanet 886, MedGen C1568247, MONDO:0010168, OMIM 276900.

Submission:

Myriad Genetics, Inc.
Classification: Uncertain significance for Usher syndrome type 1. Last evaluated: 2026-05-14. Review status: criteria provided, single submitter. Criteria: Myriad Autosomal Dominant, Autosomal Recessive and X-Linked Classification Criteria (2023). Collection method: clinical testing. Allele origin: unknown.
Comment: NM_000260.3(MYO7A):c.1861_1863delCTG(L621del) is an in-frame deletion classified as a variant of uncertain significance in the context of MYO7A-related disorders. L621del has not been observed in cases with relevant disease. Relevant functional assessments of this variant are not available in the literature. L621del has not been observed in referenced population frequency databases. In summary, there is insufficient evidence to classify NM_000260.3(MYO7A):c.1861_1863delCTG(L621del) as pathogenic or benign. Please note: this variant was assessed in the context of healthy population screening.

NM_000260.4(MYO7A):c.1858CTG[1] (p.Leu621del)

Gene: MYO7A (myosin VIIA; plus strand). Cytogenetic location: 11q13.5.
Variant type: Microsatellite.
Coding change: c.1858CTG[1] on transcript NM_000260.4 (MANE Select); one copy of the 3-base unit CTG starting at c.1858; the reference has two copies in a row; one copy, 3 bases deleted.
Protein change: p.Leu621del; deletes leucine 621.
Molecular consequence: inframe deletion.
Genome position (GRCh38, 1-based): chr11:77,172,811-77,172,813, CTG deleted; deleting any 3 consecutive bases within chr11:77,172,807-77,172,813 gives the same sequence; the position shown is the placement nearest the transcript's 3' end. VCF-style (leftmost placement, unchanged base first): chr11-77172806-AGCT-A. GRCh37 (hg19) VCF-style: chr11-76883852-AGCT-A.
Other names: c.1858CTG[1], p.Leu621del (NM_001127180.2); c.1825CTG[1], p.Leu610del (NM_001369365.1); short protein forms L621del, L610del.
Identifiers: ClinVar variation 5004675 (VCV005004675.1).